The following is an entry in ClinVar:

ClinVar aggregate classification (germline): Uncertain significance. Review status: criteria provided, multiple submitters, no conflicts (2 of 4 stars). 2 submissions from 2 submitters: Uncertain significance (2). Last evaluated 2024-05-10.

Conditions:
Hereditary cancer-predisposing syndrome. Also called: Hereditary neoplastic syndrome; Neoplastic Syndromes, Hereditary; Tumor predisposition; Hereditary Cancer Syndrome. Identifiers: Orphanet 140162, MedGen C0027672, MeSH D009386, MONDO:0015356.
Oligodontia-cancer predisposition syndrome. Also called: TOOTH AGENESIS-COLORECTAL CANCER SYNDROME. Identifiers: Orphanet 300576, MedGen C1837750, MONDO:0012075, OMIM 608615. Disease mechanism: loss of function.

Submissions (2):

Labcorp Genetics (formerly Invitae), Labcorp
Classification: Uncertain significance for Oligodontia-cancer predisposition syndrome. Last evaluated: 2024-05-10. Review status: criteria provided, single submitter. Criteria: Invitae Variant Classification Sherloc (09022015). Collection method: clinical testing. Allele origin: germline.
Comment: This sequence change replaces cysteine, which is neutral and slightly polar, with arginine, which is basic and polar, at codon 716 of the AXIN2 protein (p.Cys716Arg). This variant is not present in population databases (gnomAD no frequency). This variant has not been reported in the literature in individuals affected with AXIN2-related conditions. ClinVar contains an entry for this variant (Variation ID: 1004637). An algorithm developed to predict the effect of missense changes on protein structure and function (PolyPhen-2) suggests that this variant is likely to be tolerated. In summary, the available evidence is currently insufficient to determine the role of this variant in disease. Therefore, it has been classified as a Variant of Uncertain Significance.

Ambry Genetics
Classification: Uncertain significance for Hereditary cancer-predisposing syndrome. Last evaluated: 2023-09-27. Review status: criteria provided, single submitter. Criteria: Ambry Variant Classification Scheme 2023. Collection method: clinical testing. Allele origin: germline.
Comment: The p.C716R variant (also known as c.2146T>C), located in coding exon 8 of the AXIN2 gene, results from a T to C substitution at nucleotide position 2146. The cysteine at codon 716 is replaced by arginine, an amino acid with highly dissimilar properties. This amino acid position is conserved. In addition, the in silico prediction for this alteration is inconclusive. Since supporting evidence is limited at this time, the clinical significance of this alteration remains unclear.

NM_004655.4(AXIN2):c.2146T>C (p.Cys716Arg)

Gene: AXIN2 (axin 2; minus strand). Cytogenetic location: 17q24.1.
Variant type: single nucleotide variant.
Coding change: c.2146T>C on transcript NM_004655.4 (MANE Select); coding-DNA position 2146, T replaced by C.
Protein change: p.Cys716Arg; replaces cysteine 716 with arginine.
Molecular consequence: missense variant.
Genome position (GRCh38, 1-based): chr17:65,535,717, A>G on the plus strand (T>C on the coding strand, the complement: AXIN2 is on the minus strand). VCF-style: chr17-65535717-A-G. GRCh37 (hg19) VCF-style: chr17-63531835-A-G.
Other names: c.2146T>C (NM_004655.3); c.1951T>C, p.Cys651Arg (NM_001363813.1); short protein forms C651R, C716R.
Identifiers: ClinVar variation 1004637 (VCV001004637.9), dbSNP rs2043901092, ClinGen allele CA400675880.